The following is an entry in ClinVar:

ClinVar aggregate classification (germline): Conflicting classifications of pathogenicity. Review status: criteria provided, conflicting classifications (1 of 4 stars). 3 submissions from 3 submitters: Pathogenic (1); Likely pathogenic (1); Uncertain significance (1). Last evaluated 2024-08-20.

Conditions:
Pontocerebellar hypoplasia type 1B. Also called: EXOSC3 Pontocerebellar Hypoplasia. Identifiers: Orphanet 2254, MedGen C3553449, MONDO:0013853, OMIM 614678.

Allele frequency attached by ClinVar (database versions not stated): gnomAD 0.00001; gnomAD exomes 0.00001 and 0.00004; TOPMed 0.00001; ExAC 0.00002; ESP Exome Variant Server 0.00008.
gnomAD v4.1: 62 of 1,612,870 alleles (0.0038%); highest among the groups gnomAD compares: Non-Finnish European, 0.0051%; no homozygotes.

Submissions (3):

GeneDx
Classification: Pathogenic. Last evaluated: 2024-08-20. Review status: criteria provided, single submitter. Criteria: GeneDx Variant Classification Process June 2021. Collection method: clinical testing. Allele origin: germline. Affected: yes.
Comment: Published functional studies demonstrate a damaging effect, as a cryptic splice acceptor site is introduced upstream of the normal acceptor site, resulting in exon 3 skipping and leading to a frameshift at exon 4, with only a minority of transcripts having normal splicing (PMID: 22544365); Not observed at significant frequency in large population cohorts (gnomAD); This variant is associated with the following publications: (PMID: 23284067, 24524299, 36004024, 29758258, 22544365)

Fulgent Genetics
Classification: Likely pathogenic for Pontocerebellar hypoplasia type 1B. Last evaluated: 2024-05-09. Review status: criteria provided, single submitter. Criteria: ACMG Guidelines, 2015. Collection method: clinical testing. Allele origin: germline.

Labcorp Genetics (formerly Invitae), Labcorp
Classification: Uncertain significance for Pontocerebellar hypoplasia type 1B. Last evaluated: 2022-09-19. Review status: criteria provided, single submitter. Criteria: Invitae Variant Classification Sherloc (09022015). Collection method: clinical testing. Allele origin: germline.
Comment: This sequence change falls in intron 2 of the EXOSC3 gene. It does not directly change the encoded amino acid sequence of the EXOSC3 protein. This variant is present in population databases (rs370087266, gnomAD 0.003%). This variant has been observed in individual(s) with pontocerebellar hypoplasia (PMID: 22544365, 23284067). ClinVar contains an entry for this variant (Variation ID: 488793). Algorithms developed to predict the effect of sequence changes on RNA splicing suggest that this variant may create or strengthen a splice site. In summary, the available evidence is currently insufficient to determine the role of this variant in disease. Therefore, it has been classified as a Variant of Uncertain Significance.

Literature cited by the submitters: PubMed 22544365 (cited by Labcorp Genetics (formerly Invitae), Labcorp); PubMed 23284067 (cited by Labcorp Genetics (formerly Invitae), Labcorp).

NM_016042.4(EXOSC3):c.475-12A>G

Gene: EXOSC3 (exosome component 3; minus strand). Cytogenetic location: 9p13.2.
Variant type: single nucleotide variant.
Coding change: c.475-12A>G on transcript NM_016042.4 (MANE Select); 12 bases into the intron before coding-DNA position 475, A replaced by G.
Molecular consequence: intron variant.
Genome position (GRCh38, 1-based): chr9:37,782,149, T>C on the plus strand (A>G on the coding strand, the complement: EXOSC3 is on the minus strand). VCF-style: chr9-37782149-T-C. GRCh37 (hg19) VCF-style: chr9-37782146-T-C.
Other names: c.475-1269A>G (NM_001002269.2).
Identifiers: ClinVar variation 488793 (VCV000488793.11), dbSNP rs370087266, ClinGen allele CA5062742.